The following is an entry in ClinVar:

NM_001367561.1(DOCK7):c.964A>G (p.Ile322Val)

Gene: DOCK7 (dedicator of cytokinesis 7; minus strand). Cytogenetic location: 1p31.3.
Variant type: single nucleotide variant.
Coding change: c.964A>G on transcript NM_001367561.1 (MANE Select); coding-DNA position 964, A replaced by G.
Protein change: p.Ile322Val; replaces isoleucine 322 with valine.
Molecular consequence: missense variant.
Genome position (GRCh38, 1-based): chr1:62,634,844, T>C on the plus strand (A>G on the coding strand, the complement: DOCK7 is on the minus strand). VCF-style: chr1-62634844-T-C. GRCh37 (hg19) VCF-style: chr1-63100515-T-C.
Other names: c.964A>G, p.Ile322Val (NM_001271999.2, NM_001272000.2, NM_001272001.2 and 3 more transcripts); short protein forms I322V.
Identifiers: ClinVar variation 1419567 (VCV001419567.10), dbSNP rs2149634956, ClinGen allele CA340622019.

ClinVar aggregate classification (germline): Uncertain significance. Review status: criteria provided, multiple submitters, no conflicts (2 of 4 stars). 3 submissions from 3 submitters: Uncertain significance (3). Last evaluated 2023-04-11.

Conditions:
Developmental and epileptic encephalopathy, 23 (DEE23). Also called: Epileptic encephalopathy, early infantile, 23. Identifiers: Orphanet 411986, MedGen C4014492, MONDO:0014371, OMIM 615859.

gnomAD v4.1: 4 of 1,613,260 alleles (0.00025%); highest among the groups gnomAD compares: African/African-American, 0.0013%; no homozygotes.

Submissions (3):

Genome-Nilou Lab
Classification: Uncertain significance for Developmental and epileptic encephalopathy, 23. Last evaluated: 2023-04-11. Review status: criteria provided, single submitter. Criteria: ACMG Guidelines, 2015. Collection method: clinical testing. Allele origin: germline. Affected: no.

GeneDx
Classification: Uncertain significance. Last evaluated: 2022-04-11. Review status: criteria provided, single submitter. Criteria: GeneDx Variant Classification Process June 2021. Collection method: clinical testing. Allele origin: germline. Affected: yes.
Comment: Not observed at significant frequency in large population cohorts (gnomAD); In silico analysis supports that this missense variant does not alter protein structure/function; Has not been previously published as pathogenic or benign to our knowledge

Labcorp Genetics (formerly Invitae), Labcorp
Classification: Uncertain significance for Developmental and epileptic encephalopathy, 23. Last evaluated: 2020-12-24. Review status: criteria provided, single submitter. Criteria: Invitae Variant Classification Sherloc (09022015). Collection method: clinical testing. Allele origin: germline.
Comment: In summary, the available evidence is currently insufficient to determine the role of this variant in disease. Therefore, it has been classified as a Variant of Uncertain Significance. Algorithms developed to predict the effect of missense changes on protein structure and function (SIFT, PolyPhen-2, Align-GVGD) all suggest that this variant is likely to be tolerated, but these predictions have not been confirmed by published functional studies and their clinical significance is uncertain. This variant has not been reported in the literature in individuals with DOCK7-related conditions. This variant is not present in population databases (ExAC no frequency). This sequence change replaces isoleucine with valine at codon 322 of the DOCK7 protein (p.Ile322Val). The isoleucine residue is highly conserved and there is a small physicochemical difference between isoleucine and valine.